The following is an entry in ClinVar:

NM_003612.5(SEMA7A):c.1701C>T (p.Pro567=)

Gene: SEMA7A (semaphorin 7A (JohnMiltonHagen blood group); minus strand). Cytogenetic location: 15q24.1.
Variant type: single nucleotide variant.
Coding change: c.1701C>T on transcript NM_003612.5 (MANE Select); coding-DNA position 1701, C replaced by T.
Protein change: p.Pro567=; no amino-acid change (proline 567 retained).
Molecular consequence: synonymous variant.
Genome position (GRCh38, 1-based): chr15:74,410,924, G>A on the plus strand (C>T on the coding strand, the complement: SEMA7A is on the minus strand). VCF-style: chr15-74410924-G-A. GRCh37 (hg19) VCF-style: chr15-74703265-G-A.
Other names: c.1659C>T, p.Pro553= (NM_001146029.3); c.1206C>T, p.Pro402= (NM_001146030.3).
Identifiers: ClinVar variation 4987529 (VCV004987529.1).
Genomic context (GRCh38, chr15:74,410,924, plus strand): 5'-GCAGCTCTGCTCCACGTTCTCCTTGTGGCGCCATGAGTAGGTGGCGTGGCGGGATTCCAT[G>A]GGGCAGCTCAGGTAGTAGCGAGAGTTTGGGGCCAGGGAAACCTTCTGCAGTGGGGCCTTG-3'
Protein context (NP_003603.1, residues 557-577): APNSRYYLSC[Pro567=]MESRHATYSW

ClinVar aggregate classification (germline): Likely benign (1 of 4 stars; one submission).

Conditions:
SEMA7A-related disorder. Also called: SEMA7A-related condition.

gnomAD v4.1: 12 of 1,613,992 alleles (0.00074%); highest among the groups gnomAD compares: Admixed American, 0.01%; no homozygotes.

Submission:

PreventionGenetics, part of Exact Sciences
Classification: Likely benign for SEMA7A-related condition. Last evaluated: 2026-04-27. Review status: criteria provided, single submitter. Criteria: ACMG Guidelines, 2015. Collection method: clinical testing. Allele origin: germline.
Comment: This variant is classified as likely benign based on ACMG/AMP sequence variant interpretation guidelines (Richards et al. 2015 PMID: 25741868, with internal and published modifications).